The following is an entry in ClinVar:

ClinVar aggregate classification (germline): Uncertain significance. Review status: criteria provided, multiple submitters, no conflicts (2 of 4 stars). 2 submissions from 2 submitters: Uncertain significance (2). Last evaluated 2025-07-07.

Conditions:
Inborn genetic diseases. Identifiers: MedGen C0950123, MeSH D030342.
Leber congenital amaurosis 6 (LCA6). Identifiers: Orphanet 65, MedGen C1854260, MONDO:0013446, OMIM 613826.
Cone-rod dystrophy 13 (CORD13). Identifiers: Orphanet 1872, MedGen C2750720, MONDO:0011987, OMIM 608194.

Allele frequency attached by ClinVar (database versions not stated): gnomAD exomes below 0.00001.
gnomAD v4.1: 1 of 1,613,970 alleles (0.000062%); highest among the groups gnomAD compares: African/African-American, 0.0013%; no homozygotes.

Submissions (2):

Labcorp Genetics (formerly Invitae), Labcorp
Classification: Uncertain significance for Leber congenital amaurosis 6; Cone-rod dystrophy 13. Last evaluated: 2025-07-07. Review status: criteria provided, single submitter. Criteria: Invitae Variant Classification Sherloc (09022015). Collection method: clinical testing. Allele origin: germline.
Comment: This sequence change replaces isoleucine, which is neutral and non-polar, with valine, which is neutral and non-polar, at codon 839 of the RPGRIP1 protein (p.Ile839Val). This variant is not present in population databases (gnomAD no frequency). This variant has not been reported in the literature in individuals affected with RPGRIP1-related conditions. ClinVar contains an entry for this variant (Variation ID: 1390524). Invitae Evidence Modeling of protein sequence and biophysical properties (such as structural, functional, and spatial information, amino acid conservation, physicochemical variation, residue mobility, and thermodynamic stability) indicates that this missense variant is not expected to disrupt RPGRIP1 protein function with a negative predictive value of 80%. In summary, the available evidence is currently insufficient to determine the role of this variant in disease. Therefore, it has been classified as a Variant of Uncertain Significance.

Ambry Genetics
Classification: Uncertain significance for Inborn genetic diseases. Last evaluated: 2022-03-29. Review status: criteria provided, single submitter. Criteria: Ambry Variant Classification Scheme 2023. Collection method: clinical testing. Allele origin: germline.

NM_020366.4(RPGRIP1):c.2515A>G (p.Ile839Val)

Gene: RPGRIP1 (RPGR interacting protein 1; plus strand). Cytogenetic location: 14q11.2.
Variant type: single nucleotide variant.
Coding change: c.2515A>G on transcript NM_020366.4 (MANE Select); coding-DNA position 2515, A replaced by G.
Protein change: p.Ile839Val; replaces isoleucine 839 with valine.
Molecular consequence: missense variant. On other transcripts: intron variant (4).
Genome position (GRCh38, 1-based): chr14:21,325,978, A>G. VCF-style: chr14-21325978-A-G. GRCh37 (hg19) VCF-style: chr14-21794137-A-G.
Other names: c.1441A>G, p.Ile481Val (NM_001377948.1); c.796+1253A>G (NM_001377949.1); c.689-1645A>G (NM_001377523.1, NM_001377950.1); c.191-1645A>G (NM_001377951.1); c.2515A>G (NM_020366.3); short protein forms I839V, I481V.
Identifiers: ClinVar variation 1390524 (VCV001390524.7), dbSNP rs1231166099, ClinGen allele CA388869241.